The following is an entry in ClinVar:

NM_003743.5(NCOA1):c.1166C>T (p.Ser389Leu)

Gene: NCOA1 (nuclear receptor coactivator 1; plus strand). Cytogenetic location: 2p23.3.
Variant type: single nucleotide variant.
Coding change: c.1166C>T on transcript NM_003743.5 (MANE Select); coding-DNA position 1166, C replaced by T.
Protein change: p.Ser389Leu; replaces serine 389 with leucine.
Molecular consequence: missense variant.
Genome position (GRCh38, 1-based): chr2:24,706,636, C>T. VCF-style: chr2-24706636-C-T. GRCh37 (hg19) VCF-style: chr2-24929505-C-T.
Other names: c.1166C>T (NM_003743.4); c.1166C>T, p.Ser389Leu (NM_001362950.1, NM_001362952.1, NM_001362954.1 and 3 more transcripts); short protein forms S389L.
Identifiers: ClinVar variation 3910170 (VCV003910170.2).
Genomic context (GRCh38, chr2:24,706,636, plus strand): 5'-GTGGGCTTTCTCCTCAAGATGACACTAATTCTGGAATGTCAATTCCCCGAGTAAATCCCT[C>T]GGTCAATCCTAGTATCTCTCCAGCTCATGGTGTGGCTCGTTCATCCACATTGCCACCATC-3'
Protein context (NP_003734.3, residues 379-399): SGMSIPRVNP[Ser389Leu]VNPSISPAHG

ClinVar aggregate classification (germline): Conflicting classifications of pathogenicity. Review status: criteria provided, conflicting classifications (1 of 4 stars). 2 submissions from 2 submitters: Uncertain significance (1); Likely benign (1). Last evaluated 2025-09-15.

Conditions:
NCOA1-related disorder. Also called: NCOA1-related condition.

gnomAD v4.1: 74 of 1,614,172 alleles (0.0046%); highest among the groups gnomAD compares: Middle Eastern, 0.016%; 1 homozygote.

Submissions (2):

PreventionGenetics, part of Exact Sciences
Classification: Uncertain significance for NCOA1-related condition. Last evaluated: 2025-09-15. Review status: criteria provided, single submitter. Criteria: ACMG Guidelines, 2015. Collection method: clinical testing. Allele origin: germline.
Comment: The NCOA1 c.1166C>T variant is predicted to result in the amino acid substitution p.Ser389Leu. This variant has been associated with obesity (Cacciottolo et al. 2022. PMID: 35137184) and is reported in 0.0070% of alleles in individuals of European (Non-Finnish) descent in gnomAD. At this time, the clinical significance of this variant is uncertain due to the absence of conclusive functional and genetic evidence.

Laboratory of Genetics, Children's Clinical University Hospital Latvia
Classification: Likely benign. Last evaluated: 2025-02-16. Review status: criteria provided, single submitter. Criteria: ACMG Guidelines, 2015. Collection method: clinical testing. Allele origin: germline. Affected: yes.